The following is an entry in ClinVar:

NM_020937.4(FANCM):c.4243A>T (p.Asn1415Tyr)

Gene: FANCM (FA complementation group M; plus strand). Cytogenetic location: 14q21.2.
Variant type: single nucleotide variant.
Coding change: c.4243A>T on transcript NM_020937.4 (MANE Select); coding-DNA position 4243, A replaced by T.
Protein change: p.Asn1415Tyr; replaces asparagine 1415 with tyrosine.
Molecular consequence: missense variant.
Genome position (GRCh38, 1-based): chr14:45,181,450, A>T. VCF-style: chr14-45181450-A-T. GRCh37 (hg19) VCF-style: chr14-45650653-A-T.
Other names: c.4165A>T, p.Asn1389Tyr (NM_001308133.2); short protein forms N1389Y, N1415Y.
Identifiers: ClinVar variation 4254659 (VCV004254659.1).
Genomic context (GRCh38, chr14:45,181,450, plus strand): 5'-AATCTATTAACCATTCATTATTTTAAAAAATAAATTATAGATGGACAATTATTAACAAGT[A>T]ACGAAAGTGAAGATGACGAGATTTTCCGAAGAAAAGTTAAAAGAGCAAAAGGAAATGTTT-3'
Protein context (NP_065988.1, residues 1405-1425): SVEDGQLLTS[Asn1415Tyr]ESEDDEIFRR

ClinVar aggregate classification (germline): Uncertain significance (1 of 4 stars; one submission).

Conditions:
Inborn genetic diseases. Identifiers: MedGen C0950123, MeSH D030342.

Submission:

Ambry Genetics
Classification: Uncertain significance for Inborn genetic diseases. Last evaluated: 2025-08-08. Review status: criteria provided, single submitter. Criteria: Ambry Variant Classification Scheme 2023. Collection method: clinical testing. Allele origin: germline.
Comment: The p.N1415Y variant (also known as c.4243A>T), located in coding exon 15 of the FANCM gene, results from an A to T substitution at nucleotide position 4243. The asparagine at codon 1415 is replaced by tyrosine, an amino acid with dissimilar properties. This amino acid position is conserved. In addition, this alteration is predicted to be tolerated by in silico analysis. Based on the available evidence, the clinical significance of this variant remains unclear.